The following is an entry in ClinVar:

ClinVar aggregate classification (germline): Likely pathogenic (1 of 4 stars; one submission).

Conditions:
Cholestasis-pigmentary retinopathy-cleft palate syndrome (HDKR). Also called: Hardikar Syndrome (HS). Identifiers: Orphanet 1415, MedGen C0795969, MeSH C535632, MONDO:0012997, OMIM 301068.

Submission:

New York Genome Center
Classification: Likely pathogenic for Cholestasis-pigmentary retinopathy-cleft palate syndrome. Last evaluated: 2023-10-26. Review status: criteria provided, single submitter. Criteria: NYGC Assertion Criteria 2020. Collection method: clinical testing. Allele origin: de novo. Affected: yes. Observed: 1 variant allele, 1 heterozygote.
Comment: The de novo heterozygous single nucleotide duplication (c.2864dup) identified in the MED12 gene has not previously been reported in the literature or public variant repositories (ClinVar and LOVD) and is absent from population databases (gnomAD v2.1.1 and v3.1.2, TOPMed Freeze 8, All of Us), suggesting it is not a common benign variant in the populations represented in those databases. The c.2864dup variant in MED12 is located in exon 21 of this 45-exon gene, alters thewildtype translational reading frame, is predicted to incorporate a premature translation termination codon p.(Lys956GlufsTer22), and is expected to result in loss-of-function either through protein truncation or nonsense-mediated mRNA decay. De novo predicted loss-of-function variants downstream of the c.2864dup have been reported in the literature in multiple unrelated females with MED12 related Hardikar syndrome [PMID: 33925166]. Based on the available evidence this de novo heterozygous c.2864dup, p.(Lys956GlufsTer22) variant in MED12 is reported as Likely Pathogenic.

NM_005120.3(MED12):c.2864dup (p.Lys956fs)

Gene: MED12 (mediator complex subunit 12; plus strand). Cytogenetic location: Xq13.1.
Variant type: Duplication.
Coding change: c.2864dup on transcript NM_005120.3 (MANE Select); coding-DNA position 2864, one base duplicated (T; older notation c.2864dupT).
Protein change: p.Lys956fs; shifts the reading frame from lysine 956.
Molecular consequence: frameshift variant.
Genome position (GRCh38, 1-based): chrX:71,127,350, T duplicated. VCF-style (leftmost placement, unchanged base first): chrX-71127349-G-GT. GRCh37 (hg19) VCF-style: chrX-70347199-G-GT.
Other names: short protein forms K956fs.
Identifiers: ClinVar variation 4888352 (VCV004888352.1).